The following is an entry in ClinVar:

ClinVar aggregate classification (germline): Uncertain significance. Review status: criteria provided, multiple submitters, no conflicts (2 of 4 stars). 5 submissions from 5 submitters: Uncertain significance (3). 2 of the submissions do not count toward it. Last evaluated 2025-12-20.

Conditions:
Inborn genetic diseases. Identifiers: MedGen C0950123, MeSH D030342.

gnomAD v4.1: 1,217 of 1,609,598 alleles (0.076%); highest among the groups gnomAD compares: Non-Finnish European, 0.099%; 1 homozygote.

Submissions (5):

Labcorp Genetics (formerly Invitae), Labcorp
Classification: Uncertain significance. Last evaluated: 2025-12-20. Review status: criteria provided, single submitter. Criteria: Invitae Variant Classification Sherloc (09022015). Collection method: clinical testing. Allele origin: germline.
Comment: This sequence change replaces isoleucine, which is neutral and non-polar, with leucine, which is neutral and non-polar, at codon 1134 of the AP3D1 protein (p.Ile1134Leu). This variant is present in population databases (rs25673, gnomAD 0.1%). This variant has not been reported in the literature in individuals affected with AP3D1-related conditions. ClinVar contains an entry for this variant (Variation ID: 1023191). An algorithm developed to predict the effect of missense changes on protein structure and function (PolyPhen-2) suggests that this variant is likely to be tolerated. In summary, the available evidence is currently insufficient to determine the role of this variant in disease. Therefore, it has been classified as a Variant of Uncertain Significance.

GeneDx
Classification: Uncertain significance. Last evaluated: 2023-04-17. Review status: criteria provided, single submitter. Criteria: GeneDx Variant Classification Process June 2021. Collection method: clinical testing. Allele origin: germline. Affected: yes.
Comment: In silico analysis supports that this missense variant does not alter protein structure/function; Has not been previously published as pathogenic or benign to our knowledge; Variants in candidate genes are classified as variants of uncertain significance in accordance with ACMG guidelines (Richards et al., 2015)

Ambry Genetics
Classification: Uncertain significance for Inborn genetic diseases. Last evaluated: 2022-11-14. Review status: criteria provided, single submitter. Criteria: Ambry Variant Classification Scheme 2023. Collection method: clinical testing. Allele origin: germline.

Clinical Genetics DNA and cytogenetics Diagnostics Lab, Erasmus MC, Erasmus Medical Center
Classification: Likely benign. Review status: no assertion criteria provided. Collection method: clinical testing. Allele origin: germline. Affected: yes. Study: VKGL Data-share Consensus. Not counted in ClinVar's aggregate classification.

Clinical Genetics, Academic Medical Center
Classification: Likely benign. Review status: no assertion criteria provided. Collection method: clinical testing. Allele origin: germline. Affected: yes. Study: VKGL Data-share Consensus. Not counted in ClinVar's aggregate classification.

NM_001261826.3(AP3D1):c.3400A>C (p.Ile1134Leu)

Gene: AP3D1 (adaptor related protein complex 3 subunit delta 1; minus strand). Cytogenetic location: 19p13.3.
Variant type: single nucleotide variant.
Coding change: c.3400A>C on transcript NM_001261826.3 (MANE Select); coding-DNA position 3400, A replaced by C.
Protein change: p.Ile1134Leu; replaces isoleucine 1134 with leucine.
Molecular consequence: missense variant.
Genome position (GRCh38, 1-based): chr19:2,109,158, T>G on the plus strand (A>C on the coding strand, the complement: AP3D1 is on the minus strand). VCF-style: chr19-2109158-T-G. GRCh37 (hg19) VCF-style: chr19-2109157-T-G.
Other names: c.3214A>C (NM_003938.5); c.3364A>C, p.Ile1122Leu (NM_001374799.1); c.3214A>C, p.Ile1072Leu (NM_003938.8); c.3400A>C (NM_001261826.1); short protein forms I1072L, I1122L, I1134L.
Identifiers: ClinVar variation 1023191 (VCV001023191.11), dbSNP rs25673, ClinGen allele CA9058403.